The following is an entry in ClinVar:

NM_001387690.1(KATNAL2):c.51+16472G>A

Gene: KATNAL2 (katanin catalytic subunit A1 like 2; plus strand). Cytogenetic location: 18q21.1.
Variant type: single nucleotide variant.
Coding change: c.51+16472G>A on transcript NM_001387690.1 (MANE Select); 16472 bases into the intron after coding-DNA position 51, G replaced by A.
Molecular consequence: intron variant.
Genome position (GRCh38, 1-based): chr18:46,963,395, G>A. VCF-style: chr18-46963395-G-A. GRCh37 (hg19) VCF-style: chr18-44543358-G-A.
Other names: c.-2+16472G>A (NM_001353904.1, NM_001353903.1, NM_001353907.1 and 3 more transcripts); c.129+16472G>A (NM_001353899.1, NM_001353900.1, NM_001353902.1); c.51+16472G>A (NM_001353901.1, NM_001367621.1); c.-295+16472G>A (NM_001353905.1); c.-95+16472G>A (NM_031303.3).
Identifiers: ClinVar variation 3906139 (VCV003906139.10).

ClinVar aggregate classification (germline): Likely benign (1 of 4 stars; one submission).

Submission:

CeGaT Center for Human Genetics Tuebingen
Classification: Likely benign. Last evaluated: 2025-05-01. Review status: criteria provided, single submitter. Criteria: CeGaT Center For Human Genetics Tuebingen Variant Classification Criteria Version 2. Collection method: clinical testing. Allele origin: germline. Affected: yes. Observed: 1 variant allele.
Comment: ELOA3DP: BP4, BP7